The following is an entry in ClinVar:

NM_001373.1:c.12881G>T

Gene: DNAH14 (dynein axonemal heavy chain 14; plus strand).
Variant type: single nucleotide variant.
Identifiers: ClinVar variation 4528085 (VCV004528085.1).

ClinVar aggregate classification (germline): Uncertain significance (1 of 4 stars; one submission).

Submission:

GeneDx
Classification: Uncertain significance. Last evaluated: 2025-05-05. Review status: criteria provided, single submitter. Criteria: GeneDx Variant Classification Process June 2021. Collection method: clinical testing. Allele origin: germline. Affected: yes.
Comment: In silico analysis suggests that this missense variant does not alter protein structure/function; Has not been previously published as pathogenic or benign to our knowledge